The following is an entry in ClinVar:

ClinVar aggregate classification (germline): Uncertain significance (1 of 4 stars; one submission).

Conditions:
Complex neurodevelopmental disorder. Identifiers: Orphanet 528084, MedGen C5568766, MONDO:0100038.

Submission:

Dasa
Classification: Uncertain significance for Complex neurodevelopmental disorder. Last evaluated: 2026-01-29. Review status: criteria provided, single submitter. Criteria: DASA Assertion Criteria. Collection method: clinical testing. Allele origin: germline.
Comment: NM_001375765.1(GIGYF1):c.1513T>C (p.Ser505Pro) is a missense variant that results in the substitution of serine with proline. This variant is rare in population databases. The currently available literature and clinical evidence are not sufficient to establish a definitive association between this variant and the reported condition. Therefore, this variant is classified as a variant of uncertain significance.

NM_001375765.1(GIGYF1):c.1513T>C (p.Ser505Pro)

Gene: GIGYF1 (GRB10 interacting GYF protein 1; minus strand). Cytogenetic location: 7q22.1.
Variant type: single nucleotide variant.
Coding change: c.1513T>C on transcript NM_001375765.1 (MANE Select); coding-DNA position 1513, T replaced by C.
Protein change: p.Ser505Pro; replaces serine 505 with proline.
Molecular consequence: missense variant. On other transcripts: non-coding transcript variant (1).
Genome position (GRCh38, 1-based): chr7:100,684,566, A>G on the plus strand (T>C on the coding strand, the complement: GIGYF1 is on the minus strand). VCF-style: chr7-100684566-A-G. GRCh37 (hg19) VCF-style: chr7-100282189-A-G.
Other names: c.1513T>C, p.Ser505Pro (NM_001375759.1, NM_001375760.1, NM_001375761.1 and 6 more transcripts); short protein forms S505P.
Identifiers: ClinVar variation 4881275 (VCV004881275.2).